The following is an entry in ClinVar:

ClinVar aggregate classification (germline): Uncertain significance (0 of 4 stars; one submission).

Conditions:
PARN-related disorder. Also called: PARN-related disorders; PARN-related condition.

Submission:

PreventionGenetics, part of Exact Sciences
Classification: Uncertain significance for PARN-related condition. Last evaluated: 2023-12-21. Review status: no assertion criteria provided. Collection method: clinical testing. Allele origin: germline.
Comment: The PARN c.19+1G>A variant is predicted to disrupt the GT donor site and interfere with normal splicing. To our knowledge, this variant has not been reported in the literature or in a large population database, indicating this variant is rare. No truncating variants or splicing variants have been reported upstream of this variant. Although we suspect that this variant may be pathogenic, at this time, the clinical significance of this variant is uncertain due to the absence of conclusive functional and genetic evidence.

NM_002582.4(PARN):c.19+1G>A

Gene: PARN (poly(A)-specific ribonuclease; minus strand). Cytogenetic location: 16p13.12.
Variant type: single nucleotide variant.
Coding change: c.19+1G>A on transcript NM_002582.4 (MANE Select); the canonical splice donor site of the intron after coding-DNA position 19, G replaced by A.
Molecular consequence: splice donor variant. On other transcripts: intron variant (1).
Genome position (GRCh38, 1-based): chr16:14,630,106, C>T on the plus strand (G>A on the coding strand, the complement: PARN is on the minus strand). VCF-style: chr16-14630106-C-T. GRCh37 (hg19) VCF-style: chr16-14723963-C-T.
Other names: c.-165+84G>A (NM_001134477.3); c.19+1G>A (NM_001242992.2).
Identifiers: ClinVar variation 3029024 (VCV003029024.2), dbSNP rs2508672158, ClinGen allele CA394818949.